The following is an entry in ClinVar:

ClinVar aggregate classification (germline): Uncertain significance (1 of 4 stars; one submission).

Conditions:
Familial cold autoinflammatory syndrome 2 (FCAS2). Identifiers: Orphanet 247868, MedGen C2673198, MONDO:0012724, OMIM 611762.

Submission:

Labcorp Genetics (formerly Invitae), Labcorp
Classification: Uncertain significance for Familial cold autoinflammatory syndrome 2. Last evaluated: 2025-01-23. Review status: criteria provided, single submitter. Criteria: Invitae Variant Classification Sherloc (09022015). Collection method: clinical testing. Allele origin: germline.
Comment: This sequence change replaces leucine, which is neutral and non-polar, with proline, which is neutral and non-polar, at codon 556 of the NLRP12 protein (p.Leu556Pro). This variant is not present in population databases (gnomAD no frequency). This variant has not been reported in the literature in individuals affected with NLRP12-related conditions. Invitae Evidence Modeling of protein sequence and biophysical properties (such as structural, functional, and spatial information, amino acid conservation, physicochemical variation, residue mobility, and thermodynamic stability) indicates that this missense variant is expected to disrupt NLRP12 protein function with a positive predictive value of 80%. In summary, the available evidence is currently insufficient to determine the role of this variant in disease. Therefore, it has been classified as a Variant of Uncertain Significance.

NM_144687.4(NLRP12):c.1667T>C (p.Leu556Pro)

Gene: NLRP12 (NLR family pyrin domain containing 12; minus strand). Cytogenetic location: 19q13.42.
Variant type: single nucleotide variant.
Coding change: c.1667T>C on transcript NM_144687.4 (MANE Select); coding-DNA position 1667, T replaced by C.
Protein change: p.Leu556Pro; replaces leucine 556 with proline.
Molecular consequence: missense variant.
Genome position (GRCh38, 1-based): chr19:53,809,992, A>G on the plus strand (T>C on the coding strand, the complement: NLRP12 is on the minus strand). VCF-style: chr19-53809992-A-G. GRCh37 (hg19) VCF-style: chr19-54313246-A-G.
Other names: c.1667T>C, p.Leu556Pro (NM_001277126.2, NM_001277129.1); short protein forms L556P.
Identifiers: ClinVar variation 3675045 (VCV003675045.2).